The following is an entry in ClinVar:

NM_001378120.1(MBD5):c.1877C>T (p.Pro626Leu)

Gene: MBD5 (methyl-CpG binding domain protein 5; plus strand). Cytogenetic location: 2q23.1.
Variant type: single nucleotide variant.
Coding change: c.1877C>T on transcript NM_001378120.1 (MANE Select); coding-DNA position 1877, C replaced by T.
Protein change: p.Pro626Leu; replaces proline 626 with leucine.
Molecular consequence: missense variant.
Genome position (GRCh38, 1-based): chr2:148,469,820, C>T. VCF-style: chr2-148469820-C-T. GRCh37 (hg19) VCF-style: chr2-149227389-C-T.
Other names: c.1877C>T, p.Pro626Leu (NM_018328.5); c.1877C>T (NM_018328.4); short protein forms P626L.
Identifiers: ClinVar variation 2903416 (VCV002903416.4), dbSNP rs138721601, ClinGen allele CA57579148.

ClinVar aggregate classification (germline): Uncertain significance. Review status: criteria provided, multiple submitters, no conflicts (2 of 4 stars). 2 submissions from 2 submitters: Uncertain significance (2). Last evaluated 2025-10-08.

Conditions:
Intellectual developmental disorder, autosomal dominant 1. Also called: MBD5 Haploinsufficiency; Intellectual disability, autosomal dominant 1. Identifiers: Orphanet 228402, MedGen C1969562, MONDO:0007974, OMIM 156200.
Inborn genetic diseases. Identifiers: MedGen C0950123, MeSH D030342.

Allele frequency attached by ClinVar (database versions not stated): gnomAD exomes below 0.00001; gnomAD 0.00001; TOPMed 0.00001; ESP Exome Variant Server 0.00015.
gnomAD v4.1: 5 of 1,613,814 alleles (0.00031%); highest among the groups gnomAD compares: Non-Finnish European, 0.00042%; no homozygotes.

Submissions (2):

Ambry Genetics
Classification: Uncertain significance for Inborn genetic diseases. Last evaluated: 2025-10-08. Review status: criteria provided, single submitter. Criteria: Ambry Variant Classification Scheme 2023. Collection method: clinical testing. Allele origin: germline.

Labcorp Genetics (formerly Invitae), Labcorp
Classification: Uncertain significance for Intellectual developmental disorder, autosomal dominant 1. Last evaluated: 2025-05-14. Review status: criteria provided, single submitter. Criteria: Invitae Variant Classification Sherloc (09022015). Collection method: clinical testing. Allele origin: germline.
Comment: This sequence change replaces proline, which is neutral and non-polar, with leucine, which is neutral and non-polar, at codon 626 of the MBD5 protein (p.Pro626Leu). This variant is present in population databases (rs138721601, gnomAD 0.0009%). This variant has not been reported in the literature in individuals affected with MBD5-related conditions. ClinVar contains an entry for this variant (Variation ID: 2903416). Invitae Evidence Modeling of protein sequence and biophysical properties (such as structural, functional, and spatial information, amino acid conservation, physicochemical variation, residue mobility, and thermodynamic stability) indicates that this missense variant is not expected to disrupt MBD5 protein function with a negative predictive value of 80%. Algorithms developed to predict the effect of sequence changes on RNA splicing suggest that this variant may create or strengthen a splice site. In summary, the available evidence is currently insufficient to determine the role of this variant in disease. Therefore, it has been classified as a Variant of Uncertain Significance.